The following is an entry in ClinVar:

ClinVar aggregate classification (germline): Pathogenic (1 of 4 stars; one submission).

Submission:

Labcorp Genetics (formerly Invitae), Labcorp
Classification: Pathogenic. Last evaluated: 2025-03-17. Review status: criteria provided, single submitter. Criteria: Invitae Variant Classification Sherloc (09022015). Collection method: clinical testing. Allele origin: germline.
Comment: This sequence change creates a premature translational stop signal (p.Val2700Tyrfs*2) in the USH2A gene. It is expected to result in an absent or disrupted protein product. Loss-of-function variants in USH2A are known to be pathogenic (PMID: 10729113, 10909849, 20507924, 25649381). This variant is not present in population databases (gnomAD no frequency). This variant has not been reported in the literature in individuals affected with USH2A-related conditions. ClinVar contains an entry for this variant (Variation ID: 2025043). For these reasons, this variant has been classified as Pathogenic.

Literature cited by the submitters: PubMed 10729113; PubMed 10909849; PubMed 20507924; PubMed 25649381.

NM_206933.4(USH2A):c.8098del (p.Val2700fs)

Gene: USH2A (usherin; minus strand). Cytogenetic location: 1q41.
Variant type: Deletion.
Coding change: c.8098del on transcript NM_206933.4 (MANE Select); coding-DNA position 8098, one base deleted (G; older notation c.8098delG).
Protein change: p.Val2700fs; shifts the reading frame from valine 2700.
Molecular consequence: frameshift variant.
Genome position (GRCh38, 1-based): chr1:215,888,551, C deleted on the plus strand (G on the coding strand, the reverse complement: USH2A is on the minus strand); the first of 3 consecutive C bases (chr1:215,888,551-215,888,553); deleting any one gives the same sequence. VCF-style (leftmost placement, unchanged base first): chr1-215888550-AC-A. GRCh37 (hg19) VCF-style: chr1-216061892-AC-A.
Other names: short protein forms V2700fs.
Identifiers: ClinVar variation 2025043 (VCV002025043.4), dbSNP rs2464748601, ClinGen allele CA2580062122.